The following is an entry in ClinVar:

NM_005076.5(CNTN2):c.1519G>A (p.Asp507Asn)

Gene: CNTN2 (contactin 2; plus strand). Cytogenetic location: 1q32.1.
Variant type: single nucleotide variant.
Coding change: c.1519G>A on transcript NM_005076.5 (MANE Select); coding-DNA position 1519, G replaced by A.
Protein change: p.Asp507Asn; replaces aspartic acid 507 with asparagine.
Molecular consequence: missense variant. On other transcripts: non-coding transcript variant (1).
Genome position (GRCh38, 1-based): chr1:205,064,750, G>A. VCF-style: chr1-205064750-G-A. GRCh37 (hg19) VCF-style: chr1-205033878-G-A.
Other names: c.1519G>A, p.Asp507Asn (NM_001346083.2); short protein forms D507N.
Identifiers: ClinVar variation 1489910 (VCV001489910.8), dbSNP rs2151194531, ClinGen allele CA344375261.
Genomic context (GRCh38, chr1:205,064,750, plus strand): 5'-ACCTGCTTTGCTGAGAACTTCATGGGCAAAGCCAACAGCACTGGAATCCTATCTGTGCGA[G>A]GTGAGGGCTGCCATGTGGGTAGGCCGGGGGCTCAGCCTCCTCAGGGTACTGTCCTCCCCA-3'
Protein context (NP_005067.1, residues 497-517): ANSTGILSVR[Asp507Asn]ATKITLAPSS

ClinVar aggregate classification (germline): Uncertain significance (1 of 4 stars; one submission).

Conditions:
Epilepsy, familial adult myoclonic, 5 (EPEO5). Also called: CORTICAL MYOCLONIC TREMOR WITH EPILEPSY, FAMILIAL, 5. Identifiers: Orphanet 86814, MedGen C3809374, MONDO:0014167, OMIM 615400.

Submission:

Labcorp Genetics (formerly Invitae), Labcorp
Classification: Uncertain significance for Epilepsy, familial adult myoclonic, 5. Last evaluated: 2022-06-13. Review status: criteria provided, single submitter. Criteria: Invitae Variant Classification Sherloc (09022015). Collection method: clinical testing. Allele origin: germline.
Comment: In summary, the available evidence is currently insufficient to determine the role of this variant in disease. Therefore, it has been classified as a Variant of Uncertain Significance. Variants that disrupt the consensus splice site are a relatively common cause of aberrant splicing (PMID: 17576681, 9536098). Algorithms developed to predict the effect of sequence changes on RNA splicing suggest that this variant may disrupt the consensus splice site. Algorithms developed to predict the effect of missense changes on protein structure and function are either unavailable or do not agree on the potential impact of this missense change (SIFT: "Deleterious"; PolyPhen-2: "Probably Damaging"; Align-GVGD: "Class C15"). This variant has not been reported in the literature in individuals affected with CNTN2-related conditions. This variant is not present in population databases (gnomAD no frequency). This sequence change replaces aspartic acid, which is acidic and polar, with asparagine, which is neutral and polar, at codon 507 of the CNTN2 protein (p.Asp507Asn). This variant also falls at the last nucleotide of exon 12, which is part of the consensus splice site for this exon.

Literature cited by the submitters: PubMed 17576681; PubMed 9536098.